The following is an entry in ClinVar:

ClinVar aggregate classification (germline): Uncertain significance (1 of 4 stars; one submission).

Submission:

Labcorp Genetics (formerly Invitae), Labcorp
Classification: Uncertain significance. Last evaluated: 2024-11-18. Review status: criteria provided, single submitter. Criteria: Invitae Variant Classification Sherloc (09022015). Collection method: clinical testing. Allele origin: germline.
Comment: This sequence change replaces valine, which is neutral and non-polar, with alanine, which is neutral and non-polar, at codon 168 of the EGF protein (p.Val168Ala). This variant is not present in population databases (gnomAD no frequency). This variant has not been reported in the literature in individuals affected with EGF-related conditions. An algorithm developed to predict the effect of missense changes on protein structure and function (PolyPhen-2) suggests that this variant is likely to be tolerated. In summary, the available evidence is currently insufficient to determine the role of this variant in disease. Therefore, it has been classified as a Variant of Uncertain Significance.

NM_001963.6(EGF):c.503T>C (p.Val168Ala)

Gene: EGF (epidermal growth factor; plus strand). Cytogenetic location: 4q25.
Variant type: single nucleotide variant.
Coding change: c.503T>C on transcript NM_001963.6 (MANE Select); coding-DNA position 503, T replaced by C.
Protein change: p.Val168Ala; replaces valine 168 with alanine.
Molecular consequence: missense variant.
Genome position (GRCh38, 1-based): chr4:109,943,429, T>C. VCF-style: chr4-109943429-T-C. GRCh37 (hg19) VCF-style: chr4-110864585-T-C.
Other names: c.503T>C, p.Val168Ala (NM_001178130.3, NM_001178131.3, NM_001357021.2); short protein forms V168A.
Identifiers: ClinVar variation 3722471 (VCV003722471.2).